The following is an entry in ClinVar:

NM_000254.3(MTR):c.3140A>T (p.Tyr1047Phe)

Gene: MTR (5-methyltetrahydrofolate-homocysteine methyltransferase; plus strand). Cytogenetic location: 1q43.
Variant type: single nucleotide variant.
Coding change: c.3140A>T on transcript NM_000254.3 (MANE Select); coding-DNA position 3140, A replaced by T.
Protein change: p.Tyr1047Phe; replaces tyrosine 1047 with phenylalanine.
Molecular consequence: missense variant.
Genome position (GRCh38, 1-based): chr1:236,891,265, A>T. VCF-style: chr1-236891265-A-T. GRCh37 (hg19) VCF-style: chr1-237054565-A-T.
Other names: c.2987A>T, p.Tyr996Phe (NM_001291939.1); c.1919A>T, p.Tyr640Phe (NM_001291940.2); short protein forms Y640F, Y1047F, Y996F.
Identifiers: ClinVar variation 649699 (VCV000649699.8), dbSNP rs1572341910, ClinGen allele CA345387237.

ClinVar aggregate classification (germline): Uncertain significance (1 of 4 stars; one submission).

Conditions:
Methylcobalamin deficiency type cblG (HMAG). Also called: HOMOCYSTINURIA-MEGALOBLASTIC ANEMIA, cblG COMPLEMENTATION TYPE; HOMOCYSTINURIA-MEGALOBLASTIC ANEMIA, cblG TYPE; Functional methionine synthase deficiency type cblG; HOMOCYSTINURIA-MEGALOBLASTIC ANEMIA DUE TO DEFECT IN COBALAMIN METABOLISM, cblG COMPLEMENTATION TYPE. Identifiers: Orphanet 2170, Orphanet 622, MedGen C1855128, MONDO:0009609, OMIM 250940.

Submission:

Labcorp Genetics (formerly Invitae), Labcorp
Classification: Uncertain significance for Methylcobalamin deficiency type cblG. Last evaluated: 2024-02-24. Review status: criteria provided, single submitter. Criteria: Invitae Variant Classification Sherloc (09022015). Collection method: clinical testing. Allele origin: germline.
Comment: This sequence change replaces tyrosine, which is neutral and polar, with phenylalanine, which is neutral and non-polar, at codon 1047 of the MTR protein (p.Tyr1047Phe). This variant is not present in population databases (gnomAD no frequency). This variant has not been reported in the literature in individuals affected with MTR-related conditions. ClinVar contains an entry for this variant (Variation ID: 649699). Advanced modeling of protein sequence and biophysical properties (such as structural, functional, and spatial information, amino acid conservation, physicochemical variation, residue mobility, and thermodynamic stability) performed at Invitae indicates that this missense variant is not expected to disrupt MTR protein function with a negative predictive value of 80%. In summary, the available evidence is currently insufficient to determine the role of this variant in disease. Therefore, it has been classified as a Variant of Uncertain Significance.